The following is an entry in ClinVar:

Conditions:
Long QT syndrome 5 (LQT5). Identifiers: Orphanet 101016, Orphanet 768, MedGen C1867904, MONDO:0013372, OMIM 613695.

Submission:

Roden Lab, Vanderbilt University Medical Center
No classification provided (evidence only). Condition: Long QT syndrome 5. Review status: no classification provided. Collection method: in vitro. Allele origin: not applicable. Functional consequence: Effect on ion channel function.
ClinVar note: "not provided" was previously submitted as the classification for the variant. However, the classification appeared to be based only on an observation of functional data so it was converted to no classification on 2025-07-30.

NM_000219.6(KCNE1):c.215A>G (p.Glu72Gly)

Gene: KCNE1 (potassium voltage-gated channel subfamily E regulatory subunit 1; minus strand). Cytogenetic location: 21q22.12.
Variant type: single nucleotide variant.
Coding change: c.215A>G on transcript NM_000219.6 (MANE Select); coding-DNA position 215, A replaced by G.
Protein change: p.Glu72Gly; replaces glutamic acid 72 with glycine.
Molecular consequence: missense variant.
Genome position (GRCh38, 1-based): chr21:34,449,420, T>C on the plus strand (A>G on the coding strand, the complement: KCNE1 is on the minus strand). VCF-style: chr21-34449420-T-C. GRCh37 (hg19) VCF-style: chr21-35821718-T-C.
Other names: c.215A>G, p.Glu72Gly (NM_001127668.4, NM_001127669.4, NM_001127670.4 and 4 more transcripts); short protein forms E72G.
Identifiers: ClinVar variation 3374350 (VCV003374350.2).